The following is an entry in ClinVar:

ClinVar aggregate classification (germline): Uncertain significance (1 of 4 stars; one submission).

Submission:

Labcorp Genetics (formerly Invitae), Labcorp
Classification: Uncertain significance. Last evaluated: 2022-03-18. Review status: criteria provided, single submitter. Criteria: Invitae Variant Classification Sherloc (09022015). Collection method: clinical testing. Allele origin: germline.
Comment: This sequence change replaces glycine, which is neutral and non-polar, with arginine, which is basic and polar, at codon 1364 of the CNOT1 protein (p.Gly1364Arg). This variant is not present in population databases (gnomAD no frequency). This variant has not been reported in the literature in individuals affected with CNOT1-related conditions. Algorithms developed to predict the effect of missense changes on protein structure and function are either unavailable or do not agree on the potential impact of this missense change (SIFT: "Tolerated"; PolyPhen-2: "Possibly Damaging"; Align-GVGD: "Class C0"). In summary, the available evidence is currently insufficient to determine the role of this variant in disease. Therefore, it has been classified as a Variant of Uncertain Significance.

NM_016284.5(CNOT1):c.4105G>C (p.Gly1369Arg)

Gene: CNOT1 (CCR4-NOT transcription complex subunit 1; minus strand). Cytogenetic location: 16q21.
Variant type: single nucleotide variant.
Coding change: c.4105G>C on transcript NM_016284.5 (MANE Select); coding-DNA position 4105, G replaced by C.
Protein change: p.Gly1369Arg; replaces glycine 1369 with arginine.
Molecular consequence: missense variant. On other transcripts: non-coding transcript variant (1).
Genome position (GRCh38, 1-based): chr16:58,545,393, C>G on the plus strand (G>C on the coding strand, the complement: CNOT1 is on the minus strand). VCF-style: chr16-58545393-C-G. GRCh37 (hg19) VCF-style: chr16-58579297-C-G.
Other names: c.4090G>C, p.Gly1364Arg (NM_001265612.2); c.4105G>C, p.Gly1369Arg (NM_206999.3); short protein forms G1369R, G1364R.
Identifiers: ClinVar variation 2106733 (VCV002106733.4), dbSNP rs2543907451, ClinGen allele CA396170501.